The following is an entry in ClinVar:

ClinVar aggregate classification (germline): Likely pathogenic. Review status: criteria provided, multiple submitters, no conflicts (2 of 4 stars). 3 submissions from 3 submitters: Likely pathogenic (2). 1 of the submissions does not count toward it. Last evaluated 2022-10-14.

Conditions:
Dystonia 28, childhood-onset (DYT28). Also called: KMT2B-Related Dystonia (DYT-KMT2B). Identifiers: Orphanet 589618, MedGen C4310633, MONDO:0015004, OMIM 617284.

Submissions (3):

Laboratorio de Genetica e Diagnostico Molecular, Hospital Israelita Albert Einstein
Classification: Likely pathogenic for Dystonia 28, childhood-onset. Last evaluated: 2022-10-14. Review status: criteria provided, single submitter. Criteria: ACMG Guidelines, 2015. Collection method: clinical testing. Allele origin: germline. Affected: yes. Observed: 1 variant allele.
Comment: ACMG classification criteria: PS4 supporting, PM1 moderated, PM2 moderated, PM6 moderated

Institute of Human Genetics Munich, TUM University Hospital
Classification: Likely pathogenic for Dystonia 28, childhood-onset. Last evaluated: 2019-06-13. Review status: criteria provided, single submitter. Criteria: Classification criteria August 2017. Collection method: clinical testing. Allele origin: de novo. Inheritance: Autosomal dominant inheritance. Affected: yes. Observed: 1 heterozygote.

Department of Neurodegenerative Diseases, AG Gasser, Hertie Institute for Clinical Brain Research
Classification: Likely pathogenic for Dystonia 28, childhood-onset. Last evaluated: 2026-01-15. Review status: no assertion criteria provided. Collection method: research. Allele origin: germline. Inheritance: Autosomal unknown. Affected: yes. Not counted in ClinVar's aggregate classification.

NM_014727.3(KMT2B):c.4847C>T (p.Ala1616Val)

Gene: KMT2B (lysine methyltransferase 2B; plus strand). Cytogenetic location: 19q13.12.
Variant type: single nucleotide variant.
Coding change: c.4847C>T on transcript NM_014727.3 (MANE Select); coding-DNA position 4847, C replaced by T.
Protein change: p.Ala1616Val; replaces alanine 1616 with valine.
Molecular consequence: missense variant.
Genome position (GRCh38, 1-based): chr19:35,729,226, C>T. VCF-style: chr19-35729226-C-T. GRCh37 (hg19) VCF-style: chr19-36220127-C-T.
Other names: short protein forms A1616V.
Identifiers: ClinVar variation 807439 (VCV000807439.5), dbSNP rs1599687853, ClinGen allele CA405418019.